The following is an entry in ClinVar:

ClinVar aggregate classification (germline): Conflicting classifications of pathogenicity. Review status: criteria provided, conflicting classifications (1 of 4 stars). 4 submissions from 4 submitters: Uncertain significance (3); Likely benign (1). Last evaluated 2025-04-22.

Conditions:
Hereditary breast ovarian cancer syndrome. Also called: Hereditary breast and ovarian cancer syndrome; Hereditary breast and ovarian cancer syndrome (HBOC); BRCA1- and BRCA2-Associated Hereditary Breast and Ovarian Cancer; Hereditary breast and/or ovarian cancer syndrome; Hereditary breast and ovarian cancer; Breast and ovarian cancer. Identifiers: Orphanet 145, MedGen C0677776, MeSH D061325, MONDO:0003582. Disease mechanism: loss of function.
Hereditary cancer-predisposing syndrome. Also called: Neoplastic Syndromes, Hereditary; Tumor predisposition; Hereditary neoplastic syndrome; Hereditary Cancer Syndrome. Identifiers: Orphanet 140162, MedGen C0027672, MeSH D009386, MONDO:0015356.

Allele frequency attached by ClinVar (database versions not stated): gnomAD exomes below 0.00001; ExAC 0.00001.
gnomAD v4.1: 6 of 1,597,132 alleles (0.00038%); highest among the groups gnomAD compares: Non-Finnish European, 0.00051%; no homozygotes.

Submissions (4):

Labcorp Genetics (formerly Invitae), Labcorp
Classification: Uncertain significance for Hereditary breast ovarian cancer syndrome. Last evaluated: 2025-04-22. Review status: criteria provided, single submitter. Criteria: Invitae Variant Classification Sherloc (09022015). Collection method: clinical testing. Allele origin: germline.
Comment: This sequence change replaces glycine, which is neutral and non-polar, with glutamic acid, which is acidic and polar, at codon 1433 of the BRCA2 protein (p.Gly1433Glu). This variant is present in population databases (rs758795405, gnomAD 0.0009%). This variant has not been reported in the literature in individuals affected with BRCA2-related conditions. ClinVar contains an entry for this variant (Variation ID: 579469). Invitae Evidence Modeling of protein sequence and biophysical properties (such as structural, functional, and spatial information, amino acid conservation, physicochemical variation, residue mobility, and thermodynamic stability) indicates that this missense variant is not expected to disrupt BRCA2 protein function with a negative predictive value of 95%. In summary, the available evidence is currently insufficient to determine the role of this variant in disease. Therefore, it has been classified as a Variant of Uncertain Significance.

Ambry Genetics
Classification: Uncertain significance for Hereditary cancer-predisposing syndrome. Last evaluated: 2024-06-21. Review status: criteria provided, single submitter. Criteria: Ambry Variant Classification Scheme 2023. Collection method: clinical testing. Allele origin: germline.
Comment: The p.G1433E variant (also known as c.4298G>A), located in coding exon 10 of the BRCA2 gene, results from a G to A substitution at nucleotide position 4298. The glycine at codon 1433 is replaced by glutamic acid, an amino acid with similar properties. This amino acid position is well conserved in available vertebrate species. In addition, the in silico prediction for this alteration is inconclusive. Since supporting evidence is limited at this time, the clinical significance of this alteration remains unclear.

University of Washington Department of Laboratory Medicine, University of Washington
Classification: Likely benign for Hereditary cancer-predisposing syndrome. Last evaluated: 2023-03-23. Review status: criteria provided, single submitter. Criteria: Dines et al. (Genet Med. 2020). Collection method: curation. Allele origin: germline.
Comment: Missense variant in a coldspot region where missense variants are very unlikely to be pathogenic (PMID:31911673).

BRCA2 exon 11 coldspot. Reclassification based on statistical prior probability.

Quest Diagnostics Nichols Institute San Juan Capistrano
Classification: Uncertain significance. Last evaluated: 2017-10-11. Review status: criteria provided, single submitter. Criteria: Quest Diagnostics criteria. Collection method: clinical testing. Allele origin: germline.

NM_000059.4(BRCA2):c.4298G>A (p.Gly1433Glu)

Gene: BRCA2 (BRCA2 DNA repair associated; plus strand). Cytogenetic location: 13q13.1.
Variant type: single nucleotide variant.
Coding change: c.4298G>A on transcript NM_000059.4 (MANE Select); coding-DNA position 4298, G replaced by A.
Protein change: p.Gly1433Glu; replaces glycine 1433 with glutamic acid.
Molecular consequence: missense variant.
Genome position (GRCh38, 1-based): chr13:32,338,653, G>A. VCF-style: chr13-32338653-G-A. GRCh37 (hg19) VCF-style: chr13-32912790-G-A.
Other names: short protein forms G1433E.
Identifiers: ClinVar variation 579469 (VCV000579469.15), dbSNP rs758795405, ClinGen allele CA6940767.
Genomic context (GRCh38, chr13:32,338,653, plus strand): 5'-AAACGGAGCAAAATATAAAAGATTTTGAGACTTCTGATACATTTTTTCAGACTGCAAGTG[G>A]GAAAAATATTAGTGTCGCCAAAGAGTCATTTAATAAAATTGTAAATTTCTTTGATCAGAA-3'
Protein context (NP_000050.3, residues 1423-1443): TSDTFFQTAS[Gly1433Glu]KNISVAKESF